The following is an entry in ClinVar:

NM_000342.4(SLC4A1):c.1180del (p.Tyr393_Leu394insTer)

Gene: SLC4A1 (solute carrier family 4 member 1 (Diego blood group); minus strand). Cytogenetic location: 17q21.31.
Variant type: Deletion.
Coding change: c.1180del on transcript NM_000342.4 (MANE Select); coding-DNA position 1180, one base deleted (C; older notation c.1180delC).
Protein change: p.Tyr393_Leu394insTer.
Molecular consequence: nonsense.
Genome position (GRCh38, 1-based): chr17:44,258,088, G deleted on the plus strand (C on the coding strand, the reverse complement: SLC4A1 is on the minus strand); the first of 2 consecutive G bases (chr17:44,258,088-44,258,089); deleting either gives the same sequence. VCF-style (leftmost placement, unchanged base first): chr17-44258087-AG-A. GRCh37 (hg19) VCF-style: chr17-42335455-AG-A.
Identifiers: ClinVar variation 1162817 (VCV001162817.5), dbSNP rs2144614196, ClinGen allele CA2499224659.
Genomic context (GRCh38, chr17:44,258,087, plus strand): 5'-AAGTAGATGAAGATGACGGCAGCCAGGACCTGGGGGCTGAATGCATCTGTGATGTCACTC[AG>A]GTAATAGGGGTAGCGGCGCCGGATATCACGCACCAGGCCCCCGAAGAGCTGGCCTGTCTG-3'

ClinVar aggregate classification (germline): Likely pathogenic (1 of 4 stars; one submission).

Submission:

Mayo Clinic Laboratories, Mayo Clinic
Classification: Likely pathogenic. Last evaluated: 2019-08-08. Review status: criteria provided, single submitter. Criteria: ACMG Guidelines, 2015. Collection method: clinical testing. Allele origin: germline. Observed: 1 variant allele.
Comment: PVS1, PM2